The following is an entry in ClinVar:

ClinVar aggregate classification (germline): Uncertain significance (1 of 4 stars; one submission).

Submission:

GeneDx
Classification: Uncertain significance. Last evaluated: 2024-11-21. Review status: criteria provided, single submitter. Criteria: GeneDx Variant Classification Process June 2021. Collection method: clinical testing. Allele origin: germline. Affected: yes.
Comment: Not observed at significant frequency in large population cohorts (gnomAD); In silico analysis supports that this missense variant has a deleterious effect on protein structure/function; Has not been previously published as pathogenic or benign to our knowledge; In silico analysis suggests this variant may impact gene splicing. In the absence of RNA/functional studies, the actual effect of this sequence change is unknown.

NM_014159.7(SETD2):c.4601C>T (p.Pro1534Leu)

Gene: SETD2 (SET domain containing 2, histone lysine methyltransferase; minus strand). Cytogenetic location: 3p21.31.
Variant type: single nucleotide variant.
Coding change: c.4601C>T on transcript NM_014159.7 (MANE Select); coding-DNA position 4601, C replaced by T.
Protein change: p.Pro1534Leu; replaces proline 1534 with leucine.
Molecular consequence: missense variant. On other transcripts: non-coding transcript variant (1).
Genome position (GRCh38, 1-based): chr3:47,113,990, G>A on the plus strand (C>T on the coding strand, the complement: SETD2 is on the minus strand). VCF-style: chr3-47113990-G-A. GRCh37 (hg19) VCF-style: chr3-47155480-G-A.
Other names: c.4469C>T, p.Pro1490Leu (NM_001349370.3); short protein forms P1490L, P1534L.
Identifiers: ClinVar variation 3900488 (VCV003900488.1).